The following is an entry in ClinVar:

NM_080425.4(GNAS):c.941C>A (p.Ala314Asp)

Gene: GNAS (GNAS complex locus; plus strand). Cytogenetic location: 20q13.32.
Variant type: single nucleotide variant.
Coding change: c.941C>A on transcript NM_080425.4 (MANE Plus Clinical); coding-DNA position 941, C replaced by A.
Protein change: p.Ala314Asp; replaces alanine 314 with aspartic acid.
Molecular consequence: missense variant. On other transcripts: intron variant (3).
Genome position (GRCh38, 1-based): chr20:58,854,206, C>A. VCF-style: chr20-58854206-C-A. GRCh37 (hg19) VCF-style: chr20-57429261-C-A.
Other names: c.754C>A, p.Pro252Thr (NM_001077490.3, NM_001309883.1); c.941C>A, p.Ala314Asp (NM_001410913.1); c.*42+13320C>A (NM_016592.5); c.43+13320C>A (NM_001410912.1); c.-39+12331C>A (NM_001309861.2); short protein forms P252T, A314D.
Identifiers: ClinVar variation 4979326 (VCV004979326.1).

ClinVar aggregate classification (germline): Uncertain significance (1 of 4 stars; one submission).

Conditions:
GNAS-related disorder. Identifiers: MedGen CN380105.

gnomAD v4.1: 82 of 1,613,018 alleles (0.0051%); highest among the groups gnomAD compares: Non-Finnish European, 0.0067%; no homozygotes.

Submission:

PreventionGenetics, part of Exact Sciences
Classification: Uncertain significance for GNAS-related condition. Last evaluated: 2025-04-02. Review status: criteria provided, single submitter. Criteria: ACMG Guidelines, 2015. Collection method: clinical testing. Allele origin: germline.
Comment: The GNAS c.941C>A variant is predicted to result in the amino acid substitution p.Ala314Asp. To our knowledge, this variant has not been reported in the literature. This variant is reported in 0.0055% of alleles in individuals of European (Non-Finnish) descent in gnomAD. At this time, the clinical significance of this variant is uncertain due to the absence of conclusive functional and genetic evidence.